The following is an entry in ClinVar:

ClinVar aggregate classification (germline): Likely pathogenic (1 of 4 stars; one submission).

Conditions:
Macular corneal dystrophy (MCD). Also called: Macular corneal dystrophy Type I; GROENOUW TYPE II CORNEAL DYSTROPHY. Identifiers: Orphanet 98969, MedGen C1636149, MONDO:0009020, OMIM 217800.

gnomAD v4.1: 5 of 1,613,370 alleles (0.00031%); highest among the groups gnomAD compares: Non-Finnish European, 0.00042%; no homozygotes.

Submission:

Women's Health and Genetics/Laboratory Corporation of America, LabCorp
Classification: Likely pathogenic for Macular corneal dystrophy. Last evaluated: 2024-10-25. Review status: criteria provided, single submitter. Criteria: LabCorp Variant Classification Summary - May 2015. Collection method: clinical testing. Allele origin: germline.
Comment: Variant summary: CHST6 c.1047C>G (p.Cys349Trp) results in a non-conservative amino acid change located in the Sulfotransferase domain (IPR000863) of the encoded protein sequence. Five of five in-silico tools predict a damaging effect of the variant on protein function. The variant was absent in 250658 control chromosomes. c.1047C>G has been reported in the literature in homozygous individuals from a family affected with Macular Corneal Dystrophy (Klintworth_2006). These data indicate that the variant is likely to be associated with disease. To our knowledge, no experimental evidence demonstrating an impact on protein function has been reported. The following publication has been ascertained in the context of this evaluation (PMID: 16568029). No submitters have cited clinical-significance assessments for this variant to ClinVar. Based on the evidence outlined above, the variant was classified as likely pathogenic.

Literature cited by the submitters: PubMed 16568029.

NM_021615.5(CHST6):c.1047C>G (p.Cys349Trp)

Gene: CHST6 (carbohydrate sulfotransferase 6; minus strand). Cytogenetic location: 16q23.1.
Variant type: single nucleotide variant.
Coding change: c.1047C>G on transcript NM_021615.5 (MANE Select); coding-DNA position 1047, C replaced by G.
Protein change: p.Cys349Trp; replaces cysteine 349 with tryptophan.
Molecular consequence: missense variant.
Genome position (GRCh38, 1-based): chr16:75,478,782, G>C on the plus strand (C>G on the coding strand, the complement: CHST6 is on the minus strand). VCF-style: chr16-75478782-G-C. GRCh37 (hg19) VCF-style: chr16-75512680-G-C.
Other names: short protein forms C349W.
Identifiers: ClinVar variation 3385084 (VCV003385084.1).
Genomic context (GRCh38, chr16:75,478,782, plus strand): 5'-GTTGCGCTGCTCGTCCTCAGAGTACACAGGCCGGTAGCCCAGCAGCTGCAGCGCACCAGC[G>C]CACAGTTCCTGCACGCGGCGGATCTTGGCAAAGGGCAGCGCATGGCGCCAGGCCTGGGAG-3'
Protein context (NP_067628.1, residues 339-359): FAKIRRVQEL[Cys349Trp]AGALQLLGYR